The following is an entry in ClinVar:

NM_000286.3(PEX12):c.166T>C (p.Trp56Arg)

Gene: PEX12 (peroxisomal biogenesis factor 12; minus strand). Cytogenetic location: 17q12.
Variant type: single nucleotide variant.
Coding change: c.166T>C on transcript NM_000286.3 (MANE Select); coding-DNA position 166, T replaced by C.
Protein change: p.Trp56Arg; replaces tryptophan 56 with arginine.
Molecular consequence: missense variant.
Genome position (GRCh38, 1-based): chr17:35,577,552, A>G on the plus strand (T>C on the coding strand, the complement: PEX12 is on the minus strand). VCF-style: chr17-35577552-A-G. GRCh37 (hg19) VCF-style: chr17-33904571-A-G.
Other names: c.166T>C (NM_000286.2); short protein forms W56R.
Identifiers: ClinVar variation 1480859 (VCV001480859.4), dbSNP rs758005394, ClinGen allele CA8504955.

ClinVar aggregate classification (germline): Uncertain significance. Review status: criteria provided, multiple submitters, no conflicts (2 of 4 stars). 2 submissions from 2 submitters: Uncertain significance (2). Last evaluated 2025-10-02.

Conditions:
Peroxisome biogenesis disorder 3A (Zellweger). Also called: PEROXISOMAL BIOGENESIS DISORDER 3A (ZELLWEGER); Peroxisome biogenesis disorder 3A. Identifiers: Orphanet 912, MedGen C3553929, MONDO:0013927, OMIM 614859.
Inborn genetic diseases. Identifiers: MedGen C0950123, MeSH D030342.

Allele frequency attached by ClinVar (database versions not stated): gnomAD 0.00001 and 0.00002; TOPMed 0.00001; gnomAD exomes below 0.00001 and 0.00001; ExAC 0.00001.

Submissions (2):

Ambry Genetics
Classification: Uncertain significance for Inborn genetic diseases. Last evaluated: 2025-10-02. Review status: criteria provided, single submitter. Criteria: Ambry Variant Classification Scheme 2023. Collection method: clinical testing. Allele origin: germline.

Labcorp Genetics (formerly Invitae), Labcorp
Classification: Uncertain significance for Peroxisome biogenesis disorder 3A (Zellweger). Last evaluated: 2021-11-04. Review status: criteria provided, single submitter. Criteria: Invitae Variant Classification Sherloc (09022015). Collection method: clinical testing. Allele origin: germline.
Comment: This sequence change replaces tryptophan, which is neutral and slightly polar, with arginine, which is basic and polar, at codon 56 of the PEX12 protein (p.Trp56Arg). This variant is present in population databases (rs758005394, gnomAD 0.01%). This variant has not been reported in the literature in individuals affected with PEX12-related conditions. Algorithms developed to predict the effect of missense changes on protein structure and function are either unavailable or do not agree on the potential impact of this missense change (SIFT: "Tolerated"; PolyPhen-2: "Probably Damaging"; Align-GVGD: "Class C0"). In summary, the available evidence is currently insufficient to determine the role of this variant in disease. Therefore, it has been classified as a Variant of Uncertain Significance.